The following is an entry in ClinVar:

ClinVar aggregate classification (germline): Uncertain significance (1 of 4 stars; one submission).

Conditions:
Inborn genetic diseases. Identifiers: MedGen C0950123, MeSH D030342.

gnomAD v4.1: 1 of 1,612,116 alleles (0.000062%); highest among the groups gnomAD compares: Non-Finnish European, 0.000085%; no homozygotes.

Submission:

Ambry Genetics
Classification: Uncertain significance for Inborn genetic diseases. Last evaluated: 2026-07-31. Review status: criteria provided, single submitter. Criteria: Ambry Variant Classification Scheme 2023. Collection method: clinical testing. Allele origin: germline.
Comment: The p.C866R variant (also known as c.2596T>C), located in coding exon 18 of the MIB1 gene, results from a T to C substitution at nucleotide position 2596. The cysteine at codon 866 is replaced by arginine, an amino acid with highly dissimilar properties. This amino acid position is conserved. In addition, this alteration is predicted to be deleterious by in silico analysis. Based on the available evidence, the clinical significance of this variant remains unclear.

NM_020774.4(MIB1):c.2596T>C (p.Cys866Arg)

Gene: MIB1 (MIB E3 ubiquitin protein ligase 1; plus strand). Cytogenetic location: 18q11.2.
Variant type: single nucleotide variant.
Coding change: c.2596T>C on transcript NM_020774.4 (MANE Select); coding-DNA position 2596, T replaced by C.
Protein change: p.Cys866Arg; replaces cysteine 866 with arginine.
Molecular consequence: missense variant.
Genome position (GRCh38, 1-based): chr18:21,853,149, T>C. VCF-style: chr18-21853149-T-C. GRCh37 (hg19) VCF-style: chr18-19433110-T-C.
Other names: short protein forms C866R.
Identifiers: ClinVar variation 5024453 (VCV005024453.1).